The following is an entry in ClinVar:

ClinVar aggregate classification (germline): Conflicting classifications of pathogenicity. Review status: criteria provided, conflicting classifications (1 of 4 stars). 6 submissions from 6 submitters: Uncertain significance (3); Likely benign (2). 1 of the submissions does not count toward it. Last evaluated 2025-11-23.

Conditions:
Hemolytic anemia due to glucophosphate isomerase deficiency (CNSHA4). Also called: ANEMIA, CONGENITAL, NONSPHEROCYTIC HEMOLYTIC, 4. Identifiers: Orphanet 712, MedGen C0272064, MONDO:0013275, OMIM 613470.
GPI-related disorder. Also called: GPI-related condition.
Inborn genetic diseases. Identifiers: MedGen C0950123, MeSH D030342.

Allele frequency attached by ClinVar (database versions not stated): gnomAD exomes 0.00071; ExAC 0.00082; 1000 Genomes Project 30x 0.00141; 1000 Genomes Project 0.00160; gnomAD 0.00185 and 0.00202; TOPMed 0.00207; ESP Exome Variant Server 0.00223.
gnomAD v4.1: 696 of 1,612,894 alleles (0.043%); highest among the groups gnomAD compares: African/African-American, 0.6%; 1 homozygote.

Submissions (6):

Labcorp Genetics (formerly Invitae), Labcorp
Classification: Likely benign. Last evaluated: 2025-11-23. Review status: criteria provided, single submitter. Criteria: Invitae Variant Classification Sherloc (09022015). Collection method: clinical testing. Allele origin: germline.

Mayo Clinic Laboratories, Mayo Clinic
Classification: Uncertain significance. Last evaluated: 2025-04-24. Review status: criteria provided, single submitter. Criteria: ACMG Guidelines, 2015. Collection method: clinical testing. Allele origin: germline. Observed: 4 variant alleles.
Comment: BS1, PP3

Blueprint Genetics
Classification: Uncertain significance. Last evaluated: 2024-11-13. Review status: criteria provided, single submitter. Criteria: ACMG Guidelines, 2015. Collection method: clinical testing. Allele origin: germline.

ARUP Laboratories, Molecular Genetics and Genomics, ARUP Laboratories
Classification: Uncertain significance for Hemolytic anemia due to glucophosphate isomerase deficiency. Last evaluated: 2024-07-17. Review status: criteria provided, single submitter. Criteria: ARUP Molecular Germline Variant Investigation Process 2024. Collection method: clinical testing. Allele origin: germline.
Comment: The GPI c.907A>C; p.Met303Leu variant (rs143733383), to our knowledge, is not reported in the medical literature but is reported in ClinVar (Variation ID: 729702). This variant is found in the general population with an overall allele frequency of 0.09% (246/282362 alleles) in the Genome Aggregation Database (v2.1.1). Computational analyses predict that this variant is deleterious (REVEL: 0.897). Due to limited information, the clinical significance of this variant is uncertain at this time.

Ambry Genetics
Classification: Likely benign for Inborn genetic diseases. Last evaluated: 2021-11-25. Review status: criteria provided, single submitter. Criteria: Ambry Variant Classification Scheme 2023. Collection method: clinical testing. Allele origin: germline.

PreventionGenetics, part of Exact Sciences
Classification: Likely benign for GPI-related condition. Last evaluated: 2019-10-15. Review status: no assertion criteria provided. Collection method: clinical testing. Allele origin: germline. Not counted in ClinVar's aggregate classification.
Comment: This variant is classified as likely benign based on ACMG/AMP sequence variant interpretation guidelines (Richards et al. 2015 PMID: 25741868, with internal and published modifications).

NM_000175.5(GPI):c.907A>C (p.Met303Leu)

Gene: GPI (glucose-6-phosphate isomerase; plus strand). Cytogenetic location: 19q13.11.
Variant type: single nucleotide variant.
Coding change: c.907A>C on transcript NM_000175.5 (MANE Select); coding-DNA position 907, A replaced by C.
Protein change: p.Met303Leu; replaces methionine 303 with leucine.
Molecular consequence: missense variant.
Genome position (GRCh38, 1-based): chr19:34,393,769, A>C. VCF-style: chr19-34393769-A-C. GRCh37 (hg19) VCF-style: chr19-34884674-A-C.
Other names: c.940A>C, p.Met314Leu (NM_001184722.1); c.1024A>C, p.Met342Leu (NM_001289789.1); c.823A>C, p.Met275Leu (NM_001289790.3); c.907A>C, p.Met303Leu (NM_001329909.1, NM_001329910.1, NM_001329911.2); short protein forms M303L, M275L, M314L, M342L.
Identifiers: ClinVar variation 729702 (VCV000729702.27), dbSNP rs143733383, ClinGen allele CA9367275.